The following is an entry in ClinVar:

NM_000138.5(FBN1):c.1480T>C (p.Cys494Arg)

Gene: FBN1 (fibrillin 1; minus strand). Cytogenetic location: 15q21.1.
Variant type: single nucleotide variant.
Coding change: c.1480T>C on transcript NM_000138.5 (MANE Select); coding-DNA position 1480, T replaced by C.
Protein change: p.Cys494Arg; replaces cysteine 494 with arginine.
Molecular consequence: missense variant.
Genome position (GRCh38, 1-based): chr15:48,513,657, A>G on the plus strand (T>C on the coding strand, the complement: FBN1 is on the minus strand). VCF-style: chr15-48513657-A-G. GRCh37 (hg19) VCF-style: chr15-48805854-A-G.
Other names: c.1480T>C, p.Cys494Arg (NM_001406716.1); short protein forms C494R.
Identifiers: ClinVar variation 2941675 (VCV002941675.3), dbSNP rs2505614110, ClinGen allele CA392342811.
Genomic context (GRCh38, chr15:48,513,657, plus strand): 5'-GACAGGTGTACGAACCCTGGTTGTTAATACACTCACCACCAGCACAGGGGTTTTTCTCAC[A>G]TTCATCAACATCTGCAAAGCACAATGTATTTTAGTGCAAAATTACATAGCAATACCTCAT-3'
Protein context (NP_000129.3, residues 484-504): LRGECIDVDE[Cys494Arg]EKNPCAGGEC

ClinVar aggregate classification (germline): Pathogenic (1 of 4 stars; one submission).

Conditions:
Marfan syndrome (MFS). Also called: MARFAN SYNDROME, TYPE I; Marfan syndrome type 1; Marfan's syndrome; Marfan syndrome, classic; FBN1-Related Marfan Syndrome. Identifiers: Orphanet 284963, Orphanet 558, MedGen C0024796, MONDO:0007947, OMIM 154700.
Familial thoracic aortic aneurysm and aortic dissection (TAAD). Also called: Thoracic aortic aneurysms and dissections. Identifiers: Orphanet 91387, MedGen C4707243, MONDO:0019625.

Submission:

Labcorp Genetics (formerly Invitae), Labcorp
Classification: Pathogenic for Marfan syndrome; Familial thoracic aortic aneurysm and aortic dissection. Last evaluated: 2024-12-03. Review status: criteria provided, single submitter. Criteria: Invitae Variant Classification Sherloc (09022015). Collection method: clinical testing. Allele origin: germline.
Comment: This sequence change replaces cysteine, which is neutral and slightly polar, with arginine, which is basic and polar, at codon 494 of the FBN1 protein (p.Cys494Arg). This variant is not present in population databases (gnomAD no frequency). This missense change has been observed in individual(s) with Marfan syndrome (internal data). ClinVar contains an entry for this variant (Variation ID: 2941675). Invitae Evidence Modeling of protein sequence and biophysical properties (such as structural, functional, and spatial information, amino acid conservation, physicochemical variation, residue mobility, and thermodynamic stability) indicates that this missense variant is expected to disrupt FBN1 protein function with a positive predictive value of 95%. This variant affects a cysteine residue in the EGF-like, TGFBP or hybrid motif domains of FBN1. Cysteine residues are believed to be involved in intramolecular disulfide bridges and have been shown to be important for FBN1 protein structure (PMID: 16905551, 19349279). In addition, missense substitutions affecting cysteine residues within these domains are significantly overrepresented among patients with Marfan syndrome (PMID: 16571647, 17701892). This variant disrupts the p.Cys494 amino acid residue in FBN1. Other variant(s) that disrupt this residue have been observed in individuals with FBN1-related conditions (PMID: 28973303; internal data), which suggests that this may be a clinically significant amino acid residue. For these reasons, this variant has been classified as Pathogenic.

Literature cited by the submitters: PubMed 16905551; PubMed 19349279; PubMed 16571647; PubMed 17701892; PubMed 28973303.